The following is an entry in ClinVar:

ClinVar aggregate classification (germline): Uncertain significance (1 of 4 stars; one submission).

gnomAD v4.1: 27 of 1,583,276 alleles (0.0017%); highest among the groups gnomAD compares: Non-Finnish European, 0.0022%; no homozygotes.

Submission:

Labcorp Genetics (formerly Invitae), Labcorp
Classification: Uncertain significance. Last evaluated: 2025-10-27. Review status: criteria provided, single submitter. Criteria: Invitae Variant Classification Sherloc (09022015). Collection method: clinical testing. Allele origin: germline.
Comment: This sequence change replaces arginine, which is basic and polar, with lysine, which is basic and polar, at codon 222 of the STUB1 protein (p.Arg222Lys). This variant is present in population databases (rs755255559, gnomAD 0.003%). This missense change has been observed in individual(s) with clinical features of autosomal dominant spinocerebellar ataxia (PMID: 32713943). Invitae Evidence Modeling of protein sequence and biophysical properties (such as structural, functional, and spatial information, amino acid conservation, physicochemical variation, residue mobility, and thermodynamic stability) indicates that this missense variant is not expected to disrupt STUB1 protein function with a negative predictive value of 80%. In summary, the available evidence is currently insufficient to determine the role of this variant in disease. Therefore, it has been classified as a Variant of Uncertain Significance.

Literature cited by the submitters: PubMed 32713943.

NM_005861.4(STUB1):c.665G>A (p.Arg222Lys)

Genes: JMJD8 (jumonji domain containing 8; minus strand), STUB1 (STIP1 homology and U-box containing protein 1; plus strand). Cytogenetic location: 16p13.3.
Variant type: single nucleotide variant.
Coding change: c.665G>A on transcript NM_005861.4 (MANE Select); coding-DNA position 665, G replaced by A.
Protein change: p.Arg222Lys; replaces arginine 222 with lysine.
Molecular consequence: missense variant. On other transcripts: 3 prime UTR variant (5), non-coding transcript variant (3).
Genome position (GRCh38, 1-based): chr16:682,072, G>A. VCF-style: chr16-682072-G-A. GRCh37 (hg19) VCF-style: chr16-732072-G-A.
Other names: c.449G>A, p.Arg150Lys (NM_001293197.2); c.*722C>T (NM_001005920.4, NM_001323919.3, NM_001323920.3); c.*756C>T (NM_001323918.3, NM_001323922.3); short protein forms R150K, R222K.
Identifiers: ClinVar variation 4709214 (VCV004709214.1).